The following is an entry in ClinVar:

ClinVar aggregate classification (germline): Uncertain significance (1 of 4 stars; one submission).

Conditions:
Macrothrombocytopenia and granulocyte inclusions with or without nephritis or sensorineural hearing loss (MATINS). Also called: MAY-HEGGLIN ANOMALY; DOHLE LEUKOCYTE INCLUSIONS WITH GIANT PLATELETS; MACROTHROMBOCYTOPENIA WITH LEUKOCYTE INCLUSIONS; BLEEDING DISORDER, PLATELET-TYPE, 6; SEBASTIAN PLATELET SYNDROME; MACROTHROMBOCYTOPENIA WITH DISPERSED LEUKOCYTIC INCLUSIONS. Identifiers: Orphanet 182050, MedGen C5200934, MONDO:0015912, OMIM 155100.

Submission:

MVZ Medizinische Genetik Mainz
Classification: Uncertain significance for Macrothrombocytopenia and granulocyte inclusions with or without nephritis or sensorineural hearing loss. Last evaluated: 2026-05-11. Review status: criteria provided, single submitter. Criteria: UK Practice Guidelines For Variant Classification V4 01 2020. Collection method: clinical testing. Allele origin: germline. Inheritance: Autosomal dominant inheritance. Affected: yes. Observed: 1 variant allele.
Comment: ACMG Criteria: PP3_MOD,PM2_SUP,PP2

NM_002473.6(MYH9):c.550A>G (p.Thr184Ala)

Gene: MYH9 (myosin heavy chain 9; minus strand). Cytogenetic location: 22q12.3.
Variant type: single nucleotide variant.
Coding change: c.550A>G on transcript NM_002473.6 (MANE Select); coding-DNA position 550, A replaced by G.
Protein change: p.Thr184Ala; replaces threonine 184 with alanine.
Molecular consequence: missense variant.
Genome position (GRCh38, 1-based): chr22:36,326,630, T>C on the plus strand (A>G on the coding strand, the complement: MYH9 is on the minus strand). VCF-style: chr22-36326630-T-C. GRCh37 (hg19) VCF-style: chr22-36722675-T-C.
Other names: short protein forms T184A.
Identifiers: ClinVar variation 4852364 (VCV004852364.1).